The following is an entry in ClinVar:

NM_020207.7(ERCC6L2):c.1858A>T (p.Ile620Phe)

Gene: ERCC6L2 (ERCC excision repair 6 like 2; plus strand). Cytogenetic location: 9q22.32.
Variant type: single nucleotide variant.
Coding change: c.1858A>T on transcript NM_020207.7 (MANE Select); coding-DNA position 1858, A replaced by T.
Protein change: p.Ile620Phe; replaces isoleucine 620 with phenylalanine.
Molecular consequence: missense variant. On other transcripts: non-coding transcript variant (1).
Genome position (GRCh38, 1-based): chr9:95,955,924, A>T. VCF-style: chr9-95955924-A-T. GRCh37 (hg19) VCF-style: chr9-98718206-A-T.
Other names: c.1858A>T, p.Ile620Phe (NM_001010895.4, NM_001375291.1, NM_001375292.1 and 2 more transcripts); short protein forms I620F.
Identifiers: ClinVar variation 4019276 (VCV004019276.1).
Genomic context (GRCh38, chr9:95,955,924, plus strand): 5'-CCCAAAGTTGCTTCACTTGATTTTTGTTTGTATTTTTAATCCTTTTACAGAGCATATAGG[A>T]TTGGACAATGTAGAGATGTCAAAGTGCTTAGGCTGATATCCTTGGGAACTGTGGAGGAAA-3'
Protein context (NP_064592.3, residues 610-630): DLQAIDRAYR[Ile620Phe]GQCRDVKVLR

ClinVar aggregate classification (germline): Uncertain significance (1 of 4 stars; one submission).

Conditions:
Inborn genetic diseases. Identifiers: MedGen C0950123, MeSH D030342.

gnomAD v4.1: 3 of 1,597,770 alleles (0.00019%); highest among the groups gnomAD compares: Non-Finnish European, 0.00026%; no homozygotes.

Submission:

Ambry Genetics
Classification: Uncertain significance for Inborn genetic diseases. Last evaluated: 2025-03-28. Review status: criteria provided, single submitter. Criteria: Ambry Variant Classification Scheme 2023. Collection method: clinical testing. Allele origin: germline.
Comment: The p.I620F variant (also known as c.1858A>T), located in coding exon 13 of the ERCC6L2 gene, results from an A to T substitution at nucleotide position 1858. The isoleucine at codon 620 is replaced by phenylalanine, an amino acid with highly similar properties. This amino acid position is conserved. In addition, this alteration is predicted to be deleterious by in silico analysis. Based on the available evidence, the clinical significance of this variant remains unclear.